The following is an entry in ClinVar:

NM_004415.4(DSP):c.67G>A (p.Gly23Ser)

Genes: DSP (desmoplakin; plus strand), DSP-AS1 (DSP antisense RNA 1; minus strand). Cytogenetic location: 6p24.3.
Variant type: single nucleotide variant.
Coding change: c.67G>A on transcript NM_004415.4 (MANE Select); coding-DNA position 67, G replaced by A.
Protein change: p.Gly23Ser; replaces glycine 23 with serine.
Molecular consequence: missense variant.
Genome position (GRCh38, 1-based): chr6:7,541,982, G>A. VCF-style: chr6-7541982-G-A. GRCh37 (hg19) VCF-style: chr6-7542215-G-A.
Other names: c.67G>A, p.Gly23Ser (NM_001008844.3, NM_001319034.2); short protein forms G23S.
Identifiers: ClinVar variation 918674 (VCV000918674.10), dbSNP rs1757993019, ClinGen allele CA362675657.
Genomic context (GRCh38, chr6:7,541,982, plus strand): 5'-TGCAACGGAGGCTCCCACCCGCGGATCAACACTCTGGGCCGCATGATCCGCGCCGAGTCT[G>A]GCCCGGACCTGCGCTACGAGGTGACCAGCGGCGGCGGGGGCACCAGCAGGATGTACTATT-3'
Protein context (NP_004406.2, residues 13-33): TLGRMIRAES[Gly23Ser]PDLRYEVTSG

ClinVar aggregate classification (germline): Uncertain significance. Review status: criteria provided, multiple submitters, no conflicts (2 of 4 stars). 4 submissions from 4 submitters: Uncertain significance (4). Last evaluated 2025-04-17.

Conditions:
Arrhythmogenic cardiomyopathy with wooly hair and keratoderma. Also called: PALMOPLANTAR KERATODERMA WITH LEFT VENTRICULAR CARDIOMYOPATHY AND WOOLLY HAIR; Carvajal syndrome; Dilated cardiomyopathy with woolly hair and keratoderma; Arrhythmogenic cardiomyopathy with woolly hair and keratoderma. Identifiers: Orphanet 65282, MedGen C1854063, MONDO:0011581, OMIM 605676.
Arrhythmogenic right ventricular dysplasia 8 (ARVD8). Also called: Arrhythmogenic Right Ventricular Dysplasia/Cardiomyopathy 8; ARRHYTHMOGENIC RIGHT VENTRICULAR DYSPLASIA, FAMILIAL, 8; ARRHYTHMOGENIC RIGHT VENTRICULAR CARDIOMYOPATHY 8. Identifiers: MedGen C1843896, MONDO:0011831, OMIM 607450.
Cardiovascular phenotype. Identifiers: MedGen CN230736.
Cardiomyopathy (CMYO). Also called: Cardiomyopathies. Identifiers: Orphanet 167848, MedGen C0878544, MONDO:0004994, HP:0001638. Inheritance: Various modes of inheritance.

Allele frequency attached by ClinVar (database versions not stated): gnomAD exomes 0.00001.
gnomAD v4.1: 3 of 1,604,348 alleles (0.00019%); highest among the groups gnomAD compares: Non-Finnish European, 0.00025%; no homozygotes.

Submissions (4):

Labcorp Genetics (formerly Invitae), Labcorp
Classification: Uncertain significance for Arrhythmogenic cardiomyopathy with wooly hair and keratoderma; Arrhythmogenic right ventricular dysplasia 8. Last evaluated: 2025-04-17. Review status: criteria provided, single submitter. Criteria: Invitae Variant Classification Sherloc (09022015). Collection method: clinical testing. Allele origin: germline.
Comment: This sequence change replaces glycine, which is neutral and non-polar, with serine, which is neutral and polar, at codon 23 of the DSP protein (p.Gly23Ser). This variant is not present in population databases (gnomAD no frequency). This variant has not been reported in the literature in individuals affected with DSP-related conditions. ClinVar contains an entry for this variant (Variation ID: 918674). An algorithm developed to predict the effect of missense changes on protein structure and function (PolyPhen-2) suggests that this variant is likely to be disruptive. In summary, the available evidence is currently insufficient to determine the role of this variant in disease. Therefore, it has been classified as a Variant of Uncertain Significance.

Color Diagnostics, LLC DBA Color Health
Classification: Uncertain significance for Cardiomyopathy. Last evaluated: 2024-03-07. Review status: criteria provided, single submitter. Criteria: ACMG Guidelines, 2015. Collection method: clinical testing. Allele origin: germline.
Comment: This missense variant replaces glycine with serine at codon 23 of the DSP protein. Computational prediction suggests that this variant may not impact protein structure and function (internally defined REVEL score threshold <= 0.5, PMID: 27666373). To our knowledge, functional studies have not been reported for this variant. This variant has not been reported in individuals affected with DSP-related disorders in the literature. This variant has not been identified in the general population by the Genome Aggregation Database (gnomAD). The available evidence is insufficient to determine the role of this variant in disease conclusively. Therefore, this variant is classified as a Variant of Uncertain Significance.

Ambry Genetics
Classification: Uncertain significance for Cardiovascular phenotype. Last evaluated: 2023-03-18. Review status: criteria provided, single submitter. Criteria: Ambry Variant Classification Scheme 2023. Collection method: clinical testing. Allele origin: germline.
Comment: The p.G23S variant (also known as c.67G>A), located in coding exon 1 of the DSP gene, results from a G to A substitution at nucleotide position 67. The glycine at codon 23 is replaced by serine, an amino acid with similar properties. This amino acid position is conserved. In addition, this alteration is predicted to be tolerated by in silico analysis. Since supporting evidence is limited at this time, the clinical significance of this alteration remains unclear.

All of Us Research Program, National Institutes of Health
Classification: Uncertain significance for Arrhythmogenic cardiomyopathy with wooly hair and keratoderma. Last evaluated: 2023-03-07. Review status: criteria provided, single submitter. Criteria: ACMG Guidelines, 2015. Collection method: clinical testing. Allele origin: germline. Inheritance: Autosomal dominant inheritance. Observed: 1 variant allele, 1 heterozygote.
Comment: This missense variant replaces glycine with serine at codon 23 of the DSP protein. Computational prediction suggests that this variant may not impact protein structure and function (internally defined REVEL score threshold <= 0.5, PMID: 27666373). To our knowledge, functional studies have not been reported for this variant. This variant has not been reported in individuals affected with DSP-related disorders in the literature. This variant has not been identified in the general population by the Genome Aggregation Database (gnomAD). The available evidence is insufficient to determine the role of this variant in disease conclusively. Therefore, this variant is classified as a Variant of Uncertain Significance.

This study involves interpretation of variants in research participants for the purpose of population health screening. Participant phenotype was not available at the time of variant classification. Additional details can be found in publication PMID: 35346344, PMCID: PMC8962531